The following is an entry in ClinVar:

NM_001943.5(DSG2):c.2933C>T (p.Pro978Leu)

Genes: DSG2 (desmoglein 2; plus strand), DSG2-AS1 (DSG2 antisense RNA 1; minus strand). Cytogenetic location: 18q12.1.
Variant type: single nucleotide variant.
Coding change: c.2933C>T on transcript NM_001943.5 (MANE Select); coding-DNA position 2933, C replaced by T.
Protein change: p.Pro978Leu; replaces proline 978 with leucine.
Molecular consequence: missense variant.
Genome position (GRCh38, 1-based): chr18:31,546,319, C>T. VCF-style: chr18-31546319-C-T. GRCh37 (hg19) VCF-style: chr18-29126282-C-T.
Other names: short protein forms P978L.
Identifiers: ClinVar variation 1797844 (VCV001797844.2), dbSNP rs1184667402, ClinGen allele CA402147426.
Genomic context (GRCh38, chr18:31,546,319, plus strand): 5'-CACAGAGCCTTATTGTGACAGAGAGGGTGTATGCTCCAGCTTCTACCTTGGTAGATCAGC[C>T]TTATGCTAATGAAGGTACAGTTGTGGTCACTGAAAGAGTAATACAGCCTCATGGGGGTGG-3'
Protein context (NP_001934.2, residues 968-988): YAPASTLVDQ[Pro978Leu]YANEGTVVVT

ClinVar aggregate classification (germline): Uncertain significance (1 of 4 stars; one submission).

Conditions:
Cardiovascular phenotype. Identifiers: MedGen CN230736.

gnomAD v4.1: 6 of 1,608,146 alleles (0.00037%); highest among the groups gnomAD compares: Non-Finnish European, 0.00043%; no homozygotes.

Submission:

Ambry Genetics
Classification: Uncertain significance for Cardiovascular phenotype. Last evaluated: 2022-06-02. Review status: criteria provided, single submitter. Criteria: Ambry Variant Classification Scheme 2023. Collection method: clinical testing. Allele origin: germline.
Comment: The p.P978L variant (also known as c.2933C>T), located in coding exon 15 of the DSG2 gene, results from a C to T substitution at nucleotide position 2933. The proline at codon 978 is replaced by leucine, an amino acid with similar properties. This amino acid position is conserved. In addition, this alteration is predicted to be tolerated by in silico analysis. Since supporting evidence is limited at this time, the clinical significance of this alteration remains unclear.